The following is an entry in ClinVar:

NM_025150.5(TARS2):c.908G>A (p.Arg303Gln)

Gene: TARS2 (threonyl-tRNA synthetase 2, mitochondrial; plus strand). Cytogenetic location: 1q21.2.
Variant type: single nucleotide variant.
Coding change: c.908G>A on transcript NM_025150.5 (MANE Select); coding-DNA position 908, G replaced by A.
Protein change: p.Arg303Gln; replaces arginine 303 with glutamine.
Molecular consequence: missense variant. On other transcripts: non-coding transcript variant (1), intron variant (2).
Genome position (GRCh38, 1-based): chr1:150,496,615, G>A. VCF-style: chr1-150496615-G-A. GRCh37 (hg19) VCF-style: chr1-150469091-G-A.
Other names: c.775-915G>A (NM_001271895.2); c.631-915G>A (NM_001271896.2); short protein forms R303Q.
Identifiers: ClinVar variation 1899813 (VCV001899813.5), dbSNP rs370560290, ClinGen allele CA1076833.

ClinVar aggregate classification (germline): Uncertain significance (1 of 4 stars; one submission).

Allele frequency attached by ClinVar (database versions not stated): ExAC 0.00003; gnomAD 0.00003; TOPMed 0.00005; ESP Exome Variant Server 0.00008.
gnomAD v4.1: 23 of 1,613,384 alleles (0.0014%); highest among the groups gnomAD compares: Admixed American, 0.022%; no homozygotes.

Submission:

Labcorp Genetics (formerly Invitae), Labcorp
Classification: Uncertain significance. Last evaluated: 2022-03-06. Review status: criteria provided, single submitter. Criteria: Invitae Variant Classification Sherloc (09022015). Collection method: clinical testing. Allele origin: germline.
Comment: This sequence change replaces arginine, which is basic and polar, with glutamine, which is neutral and polar, at codon 303 of the TARS2 protein (p.Arg303Gln). This variant is present in population databases (rs370560290, gnomAD 0.03%). This variant has not been reported in the literature in individuals affected with TARS2-related conditions. Algorithms developed to predict the effect of missense changes on protein structure and function (SIFT, PolyPhen-2, Align-GVGD) all suggest that this variant is likely to be disruptive. In summary, the available evidence is currently insufficient to determine the role of this variant in disease. Therefore, it has been classified as a Variant of Uncertain Significance.